The following is an entry in ClinVar:

NM_004006.3(DMD):c.6611dup (p.Arg2205fs)

Gene: DMD (dystrophin; minus strand). Cytogenetic location: Xp21.1.
Variant type: Duplication.
Coding change: c.6611dup on transcript NM_004006.3 (MANE Select); coding-DNA position 6611, one base duplicated (A; older notation c.6611dupA).
Protein change: p.Arg2205fs; shifts the reading frame from arginine 2205.
Molecular consequence: frameshift variant. On other transcripts: 5 prime UTR variant (5).
Genome position (GRCh38, 1-based): chrX:31,968,342, T duplicated on the plus strand (A on the coding strand, the reverse complement: DMD is on the minus strand); the first of 6 consecutive T bases (chrX:31,968,342-31,968,347); duplicating any one gives the same sequence. VCF-style (leftmost placement, unchanged base first): chrX-31968341-C-CT. GRCh37 (hg19) VCF-style: chrX-31986458-C-CT.
Other names: c.6611dupA (NM_004006.2); c.6587dup, p.Arg2197fs (NM_000109.4); c.6599dup, p.Arg2201fs (NM_004009.3); c.6242dup, p.Arg2082fs (NM_004010.3); c.2588dup, p.Arg864fs (NM_004011.4); c.2579dup, p.Arg861fs (NM_004012.4); c.-770dup (NM_004013.3, NM_004020.4, NM_004021.3 and 2 more transcripts); short protein forms R2082fs, R2197fs, R861fs, R864fs, R2201fs, R2205fs.
Identifiers: ClinVar variation 217208 (VCV000217208.21), dbSNP rs863225007, ClinGen allele CA347562.
Genomic context (GRCh38, chrX:31,968,341, plus strand): 5'-AAGAAAGCTTAAAAAGTCTGCTAAAATGTTTTCATTCCTATTAGATCTGTCGCCCTACCT[C>CT]TTTTTTCTGTCTGACAGCTGTTTGCAGACCTCCTGCCACCGCAGATTCAGGCTTCCCAAT-3'

ClinVar aggregate classification (germline): Pathogenic. Review status: criteria provided, multiple submitters, no conflicts (2 of 4 stars). 6 submissions from 6 submitters: Pathogenic (6). Last evaluated 2023-06-21.

Conditions:
DMD-related disorder. Also called: DMD-related condition.
Duchenne muscular dystrophy (DMD). Also called: MUSCULAR DYSTROPHY, PSEUDOHYPERTROPHIC PROGRESSIVE, DUCHENNE TYPE; Duchenne Muscular Dystrophy (DMD). Identifiers: Orphanet 98896, MedGen C0013264, MONDO:0010679, OMIM 310200.

Submissions (6):

Revvity Omics, Revvity
Classification: Pathogenic. Last evaluated: 2023-06-21. Review status: criteria provided, single submitter. Criteria: ACMG Guidelines, 2015. Collection method: clinical testing. Allele origin: germline.

Labcorp Genetics (formerly Invitae), Labcorp
Classification: Pathogenic for Duchenne muscular dystrophy. Last evaluated: 2022-11-15. Review status: criteria provided, single submitter. Criteria: Invitae Variant Classification Sherloc (09022015). Collection method: clinical testing. Allele origin: germline.
Comment: This sequence change creates a premature translational stop signal (p.Arg2205Glufs*18) in the DMD gene. It is expected to result in an absent or disrupted protein product. Loss-of-function variants in DMD are known to be pathogenic (PMID: 16770791, 25007885). This variant is not present in population databases (gnomAD no frequency). This premature translational stop signal has been observed in individuals with DMD-related muscular dystrophy (PMID: 19409785, 25972034). ClinVar contains an entry for this variant (Variation ID: 217208). For these reasons, this variant has been classified as Pathogenic.

Blueprint Genetics
Classification: Pathogenic for DMD-related disorders. Last evaluated: 2020-01-21. Review status: criteria provided, single submitter. Criteria: ACMG Guidelines, 2015. Collection method: clinical testing. Allele origin: germline. Affected: yes. Observed: 2 variant alleles.

GeneDx
Classification: Pathogenic. Last evaluated: 2017-04-18. Review status: criteria provided, single submitter. Criteria: GeneDx Variant Classification (06012015). Collection method: clinical testing. Allele origin: germline. Affected: yes.
Comment: The c.6611dupA pathogenic variant in the DMD gene has been reported previously in association with dystrophinopathy (Flanigan et al., 2009; Almomani et al., 2009). The duplication causes a frameshift starting with codon Arginine 2205, changes this amino acid to a Glutamic acid residue and creates a premature Stop codon at position 18 of the new reading frame, denoted p.Arg2205GlufsX18. This pathogenic variant is predicted to cause loss of normal protein function either through protein truncation or nonsense-mediated mRNA decay. Furthermore, the c.6611dupA pathogenic variant was not observed in approximately 6,500 individuals of European and African American ancestry in the NHLBI Exome Sequencing Project, indicating it is not a common benign variant in these populations.

Eurofins Ntd Llc (ga)
Classification: Pathogenic. Last evaluated: 2015-07-02. Review status: criteria provided, single submitter. Criteria: EGL Classification Definitions. Collection method: clinical testing. Allele origin: germline. Observed: 2 variant alleles, 1 heterozygote, 1 hemizygote.

Athena Diagnostics
Classification: Pathogenic for Duchenne muscular dystrophy. Last evaluated: 2014-04-29. Review status: criteria provided, single submitter. Criteria: Athena Diagnostics Criteria. Collection method: clinical testing. Allele origin: germline. Inheritance: X-linked recessive inheritance.
Comment: X-linked recessive inheritance

Literature cited by the submitters: PubMed 16770791 (cited by Labcorp Genetics (formerly Invitae), Labcorp); PubMed 25007885 (cited by Labcorp Genetics (formerly Invitae), Labcorp); PubMed 19409785 (cited by 3 submitters); PubMed 25972034 (cited by Labcorp Genetics (formerly Invitae), Labcorp).